The following is an entry in ClinVar:

ClinVar aggregate classification (germline): Uncertain significance. Review status: criteria provided, multiple submitters, no conflicts (2 of 4 stars). 2 submissions from 2 submitters: Uncertain significance (2). Last evaluated 2024-01-02.

Conditions:
Hereditary cancer-predisposing syndrome. Also called: Tumor predisposition; Hereditary Cancer Syndrome; Hereditary neoplastic syndrome; Neoplastic Syndromes, Hereditary. Identifiers: Orphanet 140162, MedGen C0027672, MeSH D009386, MONDO:0015356.

Submissions (2):

Ambry Genetics
Classification: Uncertain significance for Hereditary cancer-predisposing syndrome. Last evaluated: 2024-01-02. Review status: criteria provided, single submitter. Criteria: Ambry Variant Classification Scheme 2023. Collection method: clinical testing. Allele origin: germline.
Comment: The c.1992C>T variant (also known as p.G664G), located in coding exon 7 of the BLM gene, results from a C to T substitution at nucleotide position 1992. This nucleotide substitution does not change the glycine at codon 664. This nucleotide position is not well conserved in available vertebrate species. In silico splice site analysis predicts that this alteration may result in the creation or strengthening of a novel splice acceptor site. Since supporting evidence is limited at this time, the clinical significance of this alteration remains unclear.

Eurofins Ntd Llc (ga)
Classification: Uncertain significance. Last evaluated: 2016-02-24. Review status: criteria provided, single submitter. Criteria: EGL Classification Definitions 2015. Collection method: clinical testing. Allele origin: germline. Observed: 1 variant allele, 1 heterozygote.

NM_000057.4(BLM):c.1992C>T (p.Gly664=)

Gene: BLM (BLM RecQ like helicase; plus strand). Cytogenetic location: 15q26.1.
Variant type: single nucleotide variant.
Coding change: c.1992C>T on transcript NM_000057.4 (MANE Select); coding-DNA position 1992, C replaced by T.
Protein change: p.Gly664=; no amino-acid change (glycine 664 retained).
Molecular consequence: synonymous variant.
Genome position (GRCh38, 1-based): chr15:90,763,075, C>T. VCF-style: chr15-90763075-C-T. GRCh37 (hg19) VCF-style: chr15-91306305-C-T.
Other names: c.1992C>T, p.Gly664= (NM_001287246.2, NM_001287247.2); c.867C>T, p.Gly289= (NM_001287248.2); c.1992C>T (NM_000057.2).
Identifiers: ClinVar variation 286287 (VCV000286287.6), dbSNP rs886043359, ClinGen allele CA10605427.
Genomic context (GRCh38, chr15:90,763,075, plus strand): 5'-CCAAAGTCTTAGTTTTCCTCATACAAAGGAAATGATGAAGATTTTTCATAAAAAATTTGG[C>T]CTGCATAATTTTAGAACTAATCAGCTAGAGGCGATCAATGCTGCACTGCTTGGTGAAGAC-3'
Protein context (NP_000048.1, residues 654-674): EMMKIFHKKF[Gly664=]LHNFRTNQLE